The following is an entry in ClinVar:

ClinVar aggregate classification (germline): Uncertain significance (1 of 4 stars; one submission).

Allele frequency attached by ClinVar (database versions not stated): gnomAD exomes below 0.00001.
gnomAD v4.1: 1 of 1,613,480 alleles (0.000062%); highest among the groups gnomAD compares: Admixed American, 0.0017%; no homozygotes.

Submission:

GeneDx
Classification: Uncertain significance. Last evaluated: 2022-08-30. Review status: criteria provided, single submitter. Criteria: GeneDx Variant Classification Process June 2021. Collection method: clinical testing. Allele origin: germline. Affected: yes.
Comment: Not observed at significant frequency in large population cohorts (gnomAD); In silico analysis supports that this missense variant does not alter protein structure/function; Has not been previously published as pathogenic or benign to our knowledge

NM_001273.5(CHD4):c.1076T>G (p.Val359Gly)

Gene: CHD4 (chromodomain helicase DNA binding protein 4; minus strand). Cytogenetic location: 12p13.31.
Variant type: single nucleotide variant.
Coding change: c.1076T>G on transcript NM_001273.5 (MANE Select); coding-DNA position 1076, T replaced by G.
Protein change: p.Val359Gly; replaces valine 359 with glycine.
Molecular consequence: missense variant. On other transcripts: intron variant (1).
Genome position (GRCh38, 1-based): chr12:6,600,383, A>C on the plus strand (T>G on the coding strand, the complement: CHD4 is on the minus strand). VCF-style: chr12-6600383-A-C. GRCh37 (hg19) VCF-style: chr12-6709549-A-C.
Other names: c.1055T>G, p.Val352Gly (NM_001297553.2); c.1064-27T>G (NM_001363606.2); short protein forms V352G, V359G.
Identifiers: ClinVar variation 2442689 (VCV002442689.1), dbSNP rs2540411771, ClinGen allele CA383601674.
Genomic context (GRCh38, chr12:6,600,383, plus strand): 5'-CCTTGCTGGCACACCTCGCAATAGTCCTGGTGGTCTGTCTCATAACCATCCACAGCAGTC[A>C]CCTCCTCCTCGCCTGGGCAAGGAAGAGGGAAAGCCCAGTTATTGGAAAAAAACTACCTCC-3'
Protein context (NP_001264.2, residues 349-369): TKKKKKGEEE[Val359Gly]TAVDGYETDH